The following is an entry in ClinVar:

NM_145239.3(PRRT2):c.464C>G (p.Ala155Gly)

Genes: MVP-DT (MVP divergent transcript; minus strand), PRRT2 (proline rich transmembrane protein 2; plus strand). Cytogenetic location: 16p11.2.
Variant type: single nucleotide variant.
Coding change: c.464C>G on transcript NM_145239.3 (MANE Select); coding-DNA position 464, C replaced by G.
Protein change: p.Ala155Gly; replaces alanine 155 with glycine.
Molecular consequence: missense variant.
Genome position (GRCh38, 1-based): chr16:29,813,518, C>G. VCF-style: chr16-29813518-C-G. GRCh37 (hg19) VCF-style: chr16-29824839-C-G.
Other names: c.464C>G, p.Ala155Gly (NM_001256442.2, NM_001256443.2); short protein forms A155G.
Identifiers: ClinVar variation 966246 (VCV000966246.4), dbSNP rs1053329743, ClinGen allele CA280409653.

ClinVar aggregate classification (germline): Uncertain significance. Review status: criteria provided, multiple submitters, no conflicts (2 of 4 stars). 3 submissions from 3 submitters: Uncertain significance (3). Last evaluated 2025-06-29.

Conditions:
Episodic kinesigenic dyskinesia (EKD). Also called: Paroxysmal kinesigenic dyskinesia. Identifiers: Orphanet 98809, MedGen C1868682, MONDO:0044202.
Inborn genetic diseases. Identifiers: MedGen C0950123, MeSH D030342.

Allele frequency attached by ClinVar (database versions not stated): gnomAD exomes below 0.00001 and 0.00001; gnomAD 0.00001; TOPMed 0.00001.

Submissions (3):

Labcorp Genetics (formerly Invitae), Labcorp
Classification: Uncertain significance for Episodic kinesigenic dyskinesia. Last evaluated: 2025-06-29. Review status: criteria provided, single submitter. Criteria: Invitae Variant Classification Sherloc (09022015). Collection method: clinical testing. Allele origin: germline.
Comment: This sequence change replaces alanine, which is neutral and non-polar, with glycine, which is neutral and non-polar, at codon 155 of the PRRT2 protein (p.Ala155Gly). This variant is present in population databases (no rsID available, gnomAD 0.002%). This variant has not been reported in the literature in individuals affected with PRRT2-related conditions. ClinVar contains an entry for this variant (Variation ID: 966246). Invitae Evidence Modeling of protein sequence and biophysical properties (such as structural, functional, and spatial information, amino acid conservation, physicochemical variation, residue mobility, and thermodynamic stability) indicates that this missense variant is not expected to disrupt PRRT2 protein function with a negative predictive value of 95%. In summary, the available evidence is currently insufficient to determine the role of this variant in disease. Therefore, it has been classified as a Variant of Uncertain Significance.

Ambry Genetics
Classification: Uncertain significance for Inborn genetic diseases. Last evaluated: 2024-06-10. Review status: criteria provided, single submitter. Criteria: Ambry Variant Classification Scheme 2023. Collection method: clinical testing. Allele origin: germline.

Blueprint Genetics
Classification: Uncertain significance. Last evaluated: 2022-08-19. Review status: criteria provided, single submitter. Criteria: ACMG Guidelines, 2015. Collection method: clinical testing. Allele origin: germline.